The following is an entry in ClinVar:

ClinVar aggregate classification (germline): Uncertain significance (1 of 4 stars; one submission).

Allele frequency attached by ClinVar (database versions not stated): gnomAD exomes below 0.00001.
gnomAD v4.1: 1 of 1,367,664 alleles (0.000073%); highest among the groups gnomAD compares: Non-Finnish European, 0.000098%; no homozygotes.

Submission:

Labcorp Genetics (formerly Invitae), Labcorp
Classification: Uncertain significance. Last evaluated: 2022-03-27. Review status: criteria provided, single submitter. Criteria: Invitae Variant Classification Sherloc (09022015). Collection method: clinical testing. Allele origin: germline.
Comment: This variant has not been reported in the literature in individuals affected with ERCC6L2-related conditions. Algorithms developed to predict the effect of missense changes on protein structure and function are either unavailable or do not agree on the potential impact of this missense change (SIFT: "Tolerated"; PolyPhen-2: "Not Available"; Align-GVGD: "Class C0"). This sequence change replaces isoleucine, which is neutral and non-polar, with valine, which is neutral and non-polar, at codon 1447 of the ERCC6L2 protein (p.Ile1447Val). This variant is not present in population databases (gnomAD no frequency). Algorithms developed to predict the effect of sequence changes on RNA splicing suggest that this variant may create or strengthen a splice site. In summary, the available evidence is currently insufficient to determine the role of this variant in disease. Therefore, it has been classified as a Variant of Uncertain Significance.

NM_020207.7(ERCC6L2):c.4306A>G (p.Ile1436Val)

Gene: ERCC6L2 (ERCC excision repair 6 like 2; plus strand). Cytogenetic location: 9q22.32.
Variant type: single nucleotide variant.
Coding change: c.4306A>G on transcript NM_020207.7 (MANE Select); coding-DNA position 4306, A replaced by G.
Protein change: p.Ile1436Val; replaces isoleucine 1436 with valine.
Molecular consequence: missense variant. On other transcripts: non-coding transcript variant (1), intron variant (2).
Genome position (GRCh38, 1-based): chr9:96,012,856, A>G. VCF-style: chr9-96012856-A-G. GRCh37 (hg19) VCF-style: chr9-98775138-A-G.
Other names: c.3674+8155A>G (NM_001375291.1, NM_001375292.1); short protein forms I1436V.
Identifiers: ClinVar variation 2118450 (VCV002118450.4), dbSNP rs2490775144, ClinGen allele CA466123089.